The following is an entry in ClinVar:

NC_000009.11:g.(?_426865)_(429874_?)del

Gene: DOCK8 (dedicator of cytokinesis 8; plus strand). Cytogenetic location: 9p24.3.
Variant type: Deletion.
Identifiers: ClinVar variation 1072708 (VCV001072708.9).

ClinVar aggregate classification (germline): Pathogenic (1 of 4 stars; one submission).

Conditions:
Hyper-IgE recurrent infection syndrome 3, autosomal recessive. Also called: Autosomal recessive hyper-IgE syndrome due to ZNF341 deficiency; HYPER-IgE SYNDROME 3, AUTOSOMAL RECESSIVE, WITH RECURRENT INFECTIONS. Identifiers: Orphanet 641368, MedGen C4748969, MONDO:0032654, OMIM 618282.

Submission:

Labcorp Genetics (formerly Invitae), Labcorp
Classification: Pathogenic for Combined immunodeficiency due to DOCK8 deficiency. Last evaluated: 2020-07-29. Review status: criteria provided, single submitter. Criteria: Invitae Variant Classification Sherloc (09022015). Collection method: clinical testing. Allele origin: germline.
Comment: Loss-of-function variants in DOCK8 are known to be pathogenic (PMID: 14722525, 19776401). This variant is an out-of-frame deletion of the genomic region encompassing exon(s) 34-36 of the DOCK8 gene. This is expected to create a premature translational stop signal and result in an absent or disrupted protein product. This variant has not been reported in the literature in individuals with DOCK8-related conditions. For these reasons, this variant has been classified as Pathogenic.

Literature cited by the submitters: PubMed 14722525; PubMed 19776401.